The following is an entry in ClinVar:

ClinVar aggregate classification (germline): Uncertain significance. Review status: criteria provided, multiple submitters, no conflicts (2 of 4 stars). 2 submissions from 2 submitters: Uncertain significance (2). Last evaluated 2024-02-14.

Conditions:
Cardiovascular phenotype. Identifiers: MedGen CN230736.

Allele frequency attached by ClinVar (database versions not stated): TOPMed 0.00001; gnomAD 0.00002.
gnomAD v4.1: 12 of 1,547,406 alleles (0.00078%); highest among the groups gnomAD compares: African/African-American, 0.0014%; no homozygotes.

Submissions (2):

Mayo Clinic Laboratories, Mayo Clinic
Classification: Uncertain significance. Last evaluated: 2024-02-14. Review status: criteria provided, single submitter. Criteria: ACMG Guidelines, 2015. Collection method: clinical testing. Allele origin: germline. Observed: 1 variant allele.
Comment: BP4

Ambry Genetics
Classification: Uncertain significance for Cardiovascular phenotype. Last evaluated: 2023-10-29. Review status: criteria provided, single submitter. Criteria: Ambry Variant Classification Scheme 2023. Collection method: clinical testing. Allele origin: germline.
Comment: The p.P420L variant (also known as c.1259C>T), located in coding exon 1 of the ZNF469 gene, results from a C to T substitution at nucleotide position 1259. The proline at codon 420 is replaced by leucine, an amino acid with similar properties. This amino acid position is conserved. In addition, this alteration is predicted to be tolerated by in silico analysis. Since supporting evidence is limited at this time, the clinical significance of this alteration remains unclear.

NM_001367624.2(ZNF469):c.1259C>T (p.Pro420Leu)

Gene: ZNF469 (zinc finger protein 469; plus strand). Cytogenetic location: 16q24.2.
Variant type: single nucleotide variant.
Coding change: c.1259C>T on transcript NM_001367624.2 (MANE Select); coding-DNA position 1259, C replaced by T.
Protein change: p.Pro420Leu; replaces proline 420 with leucine.
Molecular consequence: missense variant.
Genome position (GRCh38, 1-based): chr16:88,428,729, C>T. VCF-style: chr16-88428729-C-T. GRCh37 (hg19) VCF-style: chr16-88495137-C-T.
Other names: NM_001127464.1:c.1259C>T; p.Pro420Leu; short protein forms P420L.
Identifiers: ClinVar variation 3232757 (VCV003232757.2), dbSNP rs933192639, ClinGen allele CA286372563.
Genomic context (GRCh38, chr16:88,428,729, plus strand): 5'-CCCTACCCCAGAGGCACTTTCCAGGGCAGGCGTACAGAGCCAGTGGGGTGGACACCAGCC[C>T]GGGGCCTCCGGACACCGAGCTGGCCGCCCCAGGGCCCCCACCCGCCAGGCTGCCCCAGCT-3'
Protein context (NP_001354553.1, residues 410-430): AYRASGVDTS[Pro420Leu]GPPDTELAAP